The following is an entry in ClinVar:

NM_033109.5(PNPT1):c.1855A>C (p.Lys619Gln)

Gene: PNPT1 (polyribonucleotide nucleotidyltransferase 1; minus strand). Cytogenetic location: 2p16.1.
Variant type: single nucleotide variant.
Coding change: c.1855A>C on transcript NM_033109.5 (MANE Select); coding-DNA position 1855, A replaced by C.
Protein change: p.Lys619Gln; replaces lysine 619 with glutamine.
Molecular consequence: missense variant.
Genome position (GRCh38, 1-based): chr2:55,644,688, T>G on the plus strand (A>C on the coding strand, the complement: PNPT1 is on the minus strand). VCF-style: chr2-55644688-T-G. GRCh37 (hg19) VCF-style: chr2-55871823-T-G.
Other names: c.1855A>C (NM_033109.3); short protein forms K619Q.
Identifiers: ClinVar variation 1955326 (VCV001955326.6), dbSNP rs750772664, ClinGen allele CA47650720.

ClinVar aggregate classification (germline): Uncertain significance. Review status: criteria provided, multiple submitters, no conflicts (2 of 4 stars). 2 submissions from 2 submitters: Uncertain significance (2). Last evaluated 2025-12-08.

Conditions:
Inborn genetic diseases. Identifiers: MedGen C0950123, MeSH D030342.

Allele frequency attached by ClinVar (database versions not stated): TOPMed 0.00002.
gnomAD v4.1: 3 of 1,612,642 alleles (0.00019%); highest among the groups gnomAD compares: Non-Finnish European, 0.00025%; no homozygotes.

Submissions (2):

Ambry Genetics
Classification: Uncertain significance for Inborn genetic diseases. Last evaluated: 2025-12-08. Review status: criteria provided, single submitter. Criteria: Ambry Variant Classification Scheme 2023. Collection method: clinical testing. Allele origin: germline.

Labcorp Genetics (formerly Invitae), Labcorp
Classification: Uncertain significance. Last evaluated: 2022-03-12. Review status: criteria provided, single submitter. Criteria: Invitae Variant Classification Sherloc (09022015). Collection method: clinical testing. Allele origin: germline.
Comment: This sequence change replaces lysine, which is basic and polar, with glutamine, which is neutral and polar, at codon 619 of the PNPT1 protein (p.Lys619Gln). This variant is not present in population databases (gnomAD no frequency). This variant has not been reported in the literature in individuals affected with PNPT1-related conditions. Advanced modeling of protein sequence and biophysical properties (such as structural, functional, and spatial information, amino acid conservation, physicochemical variation, residue mobility, and thermodynamic stability) performed at Invitae indicates that this missense variant is not expected to disrupt PNPT1 protein function. In summary, the available evidence is currently insufficient to determine the role of this variant in disease. Therefore, it has been classified as a Variant of Uncertain Significance.